The following is an entry in ClinVar:

NM_024529.5(CDC73):c.1123C>T (p.Leu375Phe)

Gene: CDC73 (cell division cycle 73; plus strand). Cytogenetic location: 1q31.2.
Variant type: single nucleotide variant.
Coding change: c.1123C>T on transcript NM_024529.5 (MANE Select); coding-DNA position 1123, C replaced by T.
Protein change: p.Leu375Phe; replaces leucine 375 with phenylalanine.
Molecular consequence: missense variant.
Genome position (GRCh38, 1-based): chr1:193,212,446, C>T. VCF-style: chr1-193212446-C-T. GRCh37 (hg19) VCF-style: chr1-193181576-C-T.
Other names: short protein forms L375F.
Identifiers: ClinVar variation 3998685 (VCV003998685.1).

ClinVar aggregate classification (germline): Uncertain significance (1 of 4 stars; one submission).

Conditions:
Hereditary cancer-predisposing syndrome. Also called: Tumor predisposition; Hereditary neoplastic syndrome; Neoplastic Syndromes, Hereditary; Hereditary Cancer Syndrome. Identifiers: Orphanet 140162, MedGen C0027672, MeSH D009386, MONDO:0015356.

gnomAD v4.1: 1 of 1,607,072 alleles (0.000062%); highest among the groups gnomAD compares: Non-Finnish European, 0.000085%; no homozygotes.

Submission:

Ambry Genetics
Classification: Uncertain significance for Hereditary cancer-predisposing syndrome. Last evaluated: 2025-05-08. Review status: criteria provided, single submitter. Criteria: Ambry Variant Classification Scheme 2023. Collection method: clinical testing. Allele origin: germline.
Comment: The p.L375F variant (also known as c.1123C>T), located in coding exon 13 of the CDC73 gene, results from a C to T substitution at nucleotide position 1123. The leucine at codon 375 is replaced by phenylalanine, an amino acid with highly similar properties. This amino acid position is highly conserved in available vertebrate species. In addition, the in silico prediction for this alteration is inconclusive. Based on the available evidence, the clinical significance of this variant remains unclear.